The following is an entry in ClinVar:

NM_015001.3(SPEN):c.10593C>T (p.Asn3531=)

Gene: SPEN (spen family transcriptional repressor; plus strand). Cytogenetic location: 1p36.13.
Variant type: single nucleotide variant.
Coding change: c.10593C>T on transcript NM_015001.3 (MANE Select); coding-DNA position 10593, C replaced by T.
Protein change: p.Asn3531=; no amino-acid change (asparagine 3531 retained).
Molecular consequence: synonymous variant.
Genome position (GRCh38, 1-based): chr1:15,937,895, C>T. VCF-style: chr1-15937895-C-T. GRCh37 (hg19) VCF-style: chr1-16264390-C-T.
Identifiers: ClinVar variation 5040875 (VCV005040875.1).

ClinVar aggregate classification (germline): Likely benign (1 of 4 stars; one submission).

Submission:

CeGaT Center for Human Genetics Tuebingen
Classification: Likely benign. Last evaluated: 2026-09-01. Review status: criteria provided, single submitter. Criteria: CeGaT Center For Human Genetics Tuebingen Variant Classification Criteria Version 2. Collection method: clinical testing. Allele origin: germline. Affected: yes. Observed: 1 variant allele.
Comment: SPEN: BP4, BP7